The following is an entry in ClinVar:

ClinVar aggregate classification (germline): Benign/Likely benign. Review status: criteria provided, multiple submitters, no conflicts (2 of 4 stars). 12 submissions from 12 submitters: Benign (3); Likely benign (7). 2 of the submissions do not count toward it. Last evaluated 2026-01-31.

Conditions:
BARD1-related disorder. Also called: BARD1-related condition.
Hereditary cancer-predisposing syndrome. Also called: Tumor predisposition; Neoplastic Syndromes, Hereditary; Hereditary neoplastic syndrome; Hereditary Cancer Syndrome. Identifiers: Orphanet 140162, MedGen C0027672, MeSH D009386, MONDO:0015356.
Familial cancer of breast. Also called: BREAST CANCER, FAMILIAL; hereditary breast carcinoma; Hereditary breast cancer. Identifiers: Orphanet 227535, MedGen C0346153, MONDO:0016419, OMIM 114480. Disease mechanism: loss of function.
Malignant tumor of breast. Also called: Malignant breast neoplasm; Cancer breast. Identifiers: MedGen C0006142, MONDO:0007254. Disease mechanism: loss of function.

Allele frequency attached by ClinVar (database versions not stated): ExAC 0.00002; gnomAD exomes 0.00002 and 0.00003; TOPMed 0.00014; ESP Exome Variant Server 0.00015; gnomAD 0.00015; 1000 Genomes Project 0.00020; 1000 Genomes Project 30x 0.00031.
gnomAD v4.1: 45 of 1,613,600 alleles (0.0028%); highest among the groups gnomAD compares: African/African-American, 0.041%; no homozygotes.

Submissions (12):

Labcorp Genetics (formerly Invitae), Labcorp
Classification: Likely benign for Familial cancer of breast. Last evaluated: 2026-01-31. Review status: criteria provided, single submitter. Criteria: Invitae Variant Classification Sherloc (09022015). Collection method: clinical testing. Allele origin: germline.

KCCC/NGS Laboratory, Kuwait Cancer Control Center
Classification: Benign for Familial cancer of breast. Last evaluated: 2025-02-01. Review status: criteria provided, single submitter. Criteria: ACMG Guidelines, 2015. Collection method: clinical testing. Allele origin: germline. Affected: no.

Myriad Genetics, Inc.
Classification: Benign for Familial cancer of breast. Last evaluated: 2024-07-25. Review status: criteria provided, single submitter. Criteria: Myriad Autosomal Dominant, Autosomal Recessive and X-Linked Classification Criteria (2023). Collection method: clinical testing. Allele origin: unknown.
Comment: This variant is considered benign. This variant is a silent/synonymous amino acid change and it is not expected to impact splicing.

Quest Diagnostics Nichols Institute San Juan Capistrano
Classification: Likely benign. Last evaluated: 2022-10-28. Review status: criteria provided, single submitter. Criteria: Quest Diagnostics criteria. Collection method: clinical testing. Allele origin: unknown.

Blueprint Genetics
Classification: Likely benign. Last evaluated: 2022-08-02. Review status: criteria provided, single submitter. Criteria: ACMG Guidelines, 2015. Collection method: clinical testing. Allele origin: germline.

Sema4
Classification: Likely benign for Hereditary cancer-predisposing syndrome. Last evaluated: 2020-10-15. Review status: criteria provided, single submitter. Criteria: Sema4 Curation Guidelines. Collection method: curation. Allele origin: germline.

Women's Health and Genetics/Laboratory Corporation of America, LabCorp
Classification: Likely benign. Last evaluated: 2018-12-31. Review status: criteria provided, single submitter. Criteria: LabCorp Variant Classification Summary - May 2015. Collection method: clinical testing. Allele origin: germline.
Comment: Variant summary: The variant, BARD1 c.1554C>T alters a non-conserved nucleotide resulting in a synonymous change. 5/5 computational tools predict no significant impact on normal splicing. However, these predictions have yet to be confirmed by functional studies. The variant allele was found at a frequency of 4e-05 in 276952 control chromosomes, predominantly at a frequency of 0.00029 within the African subpopulation in the gnomAD database. The available data on variant occurrences in the general population are insufficient to allow any conclusion about variant significance. To our knowledge, no occurrence of c.1554C>T in individuals affected with Hereditary Breast and Ovarian Cancer and no experimental evidence demonstrating its impact on protein function have been reported. Two clinical diagnostic laboratories have submitted clinical-significance assessments for this variant to ClinVar after 2014 without evidence for independent evaluation. All laboratories classified the variant as likely benign. Based on the evidence outlined above, the variant was classified as likely benign.

Color Diagnostics, LLC DBA Color Health
Classification: Likely benign for Hereditary cancer-predisposing syndrome. Last evaluated: 2015-08-11. Review status: criteria provided, single submitter. Criteria: ACMG Guidelines, 2015. Collection method: clinical testing. Allele origin: germline.

GeneDx
Classification: Benign. Last evaluated: 2015-03-03. Review status: criteria provided, single submitter. Criteria: GeneDx Variant Classification Process June 2021. Collection method: clinical testing. Allele origin: germline. Affected: yes.

Ambry Genetics
Classification: Likely benign for Hereditary cancer-predisposing syndrome. Last evaluated: 2014-09-16. Review status: criteria provided, single submitter. Criteria: Ambry Variant Classification Scheme 2023. Collection method: clinical testing. Allele origin: germline.

PreventionGenetics, part of Exact Sciences
Classification: Likely benign for BARD1-related condition. Last evaluated: 2019-09-17. Review status: no assertion criteria provided. Collection method: clinical testing. Allele origin: germline. Not counted in ClinVar's aggregate classification.
Comment: This variant is classified as likely benign based on ACMG/AMP sequence variant interpretation guidelines (Richards et al. 2015 PMID: 25741868, with internal and published modifications).

Department of Pathology and Laboratory Medicine, Sinai Health System
Classification: Likely benign for Malignant tumor of breast. Review status: no assertion criteria provided. Collection method: clinical testing. Allele origin: unknown. Affected: yes. Study: The Canadian Open Genetics Repository (COGR). Not counted in ClinVar's aggregate classification.
Comment: The BARD1 p.Ala518= variant was not identified in the literature. The variant was identified in dbSNP (ID: rs139612775) as â€šÃ„ÃºWith Uncertain significance alleleâ€šÃ„Ã¹ and ClinVar (classified as likely benign by Ambry Genetics, Invitae and Color; and as uncertain significance by Integrated Genetics/Laboratory Corporation of America). The variant was identified in control databases in 11 of 276952 chromosomes at a frequency of 0.00004 (Genome Aggregation Database Feb 27, 2017). The variant was observed in the following populations: African in 7 of 24030 chromosomes (freq: 0.0003), Latino in 3 of 34388 chromosomes (freq: 0.00009), and European Non-Finnish in 1 of 126510 chromosomes (freq: 0.000008), while it was not observed in the Other, Ashkenazi Jewish, East Asian, European Finnish, or South Asian populations. The p.Ala518= variant is not expected to have clinical significance because it does not result in a change of amino acid and is not located in a known consensus splice site. In addition, in silico or computational prediction software programs (SpliceSiteFinder, MaxEntScan, NNSPLICE, GeneSplicer) do not predict a difference in splicing. In summary, based on the above information, the clinical significance of this variant cannot be determined with certainty at this time although we would lean towards a more benign role for this variant. This variant is classified as likely benign.

NM_000465.4(BARD1):c.1554C>T (p.Ala518=)

Gene: BARD1 (BRCA1 associated RING domain 1; minus strand). Cytogenetic location: 2q35.
Variant type: single nucleotide variant.
Coding change: c.1554C>T on transcript NM_000465.4 (MANE Select); coding-DNA position 1554, C replaced by T.
Protein change: p.Ala518=; no amino-acid change (alanine 518 retained).
Molecular consequence: synonymous variant. On other transcripts: non-coding transcript variant (3), intron variant (3).
Genome position (GRCh38, 1-based): chr2:214,767,496, G>A on the plus strand (C>T on the coding strand, the complement: BARD1 is on the minus strand). VCF-style: chr2-214767496-G-A. GRCh37 (hg19) VCF-style: chr2-215632220-G-A.
Other names: c.1497C>T, p.Ala499= (NM_001282543.2); c.159-14941C>T (NM_001282548.2); c.216-14941C>T (NM_001282545.2); c.364+24801C>T (NM_001282549.2).
Identifiers: ClinVar variation 186247 (VCV000186247.27), dbSNP rs139612775, ClinGen allele CA194234.